The following is an entry in ClinVar:

ClinVar aggregate classification (germline): Pathogenic (1 of 4 stars; one submission).

Conditions:
Cholestanol storage disease (CTX). Also called: CTX: Cerebrotendinous xanthomatosis; CEREBRAL CHOLESTERINOSIS; Cerebrotendinous Xanthomatosis. Identifiers: Orphanet 909, MedGen C0238052, MONDO:0008948, OMIM 213700.

Submission:

Labcorp Genetics (formerly Invitae), Labcorp
Classification: Pathogenic for Cholestanol storage disease. Last evaluated: 2021-06-26. Review status: criteria provided, single submitter. Criteria: Invitae Variant Classification Sherloc (09022015). Collection method: clinical testing. Allele origin: germline.
Comment: For these reasons, this variant has been classified as Pathogenic. This variant disrupts a region of the CYP27A1 protein in which other variant(s) (p.Arg127Trp) have been determined to be pathogenic (PMID: 10430841, 10775536, 17319284, 23659550, 27455001, 28623566). This suggests that this is a clinically significant region of the protein, and that variants that disrupt it are likely to be disease-causing. This variant has not been reported in the literature in individuals affected with CYP27A1-related conditions. This variant is a gross deletion of the genomic region encompassing exon(s) 2-9 of the CYP27A1 gene. The 5' boundary is likely confined to intron 1. The 3' end of this event is unknown as it extends through the termination codon beyond the assayed region for this gene and may encompass additional genes. While this deletion is not anticipated to lead to nonsense mediated decay, it is expected to alter mRNA translation or result in a truncated protein product.

Literature cited by the submitters: PubMed 10430841; PubMed 10775536; PubMed 17319284; PubMed 23659550; PubMed 27455001; PubMed 28623566.

NC_000002.11:g.(?_219674280)_(219679753_?)del

Gene: CYP27A1 (cytochrome P450 family 27 subfamily A member 1; plus strand). Cytogenetic location: 2q35.
Variant type: Deletion.
Identifiers: ClinVar variation 1458431 (VCV001458431.4).